The following is an entry in ClinVar:

NM_001367561.1(DOCK7):c.874G>A (p.Glu292Lys)

Gene: DOCK7 (dedicator of cytokinesis 7; minus strand). Cytogenetic location: 1p31.3.
Variant type: single nucleotide variant.
Coding change: c.874G>A on transcript NM_001367561.1 (MANE Select); coding-DNA position 874, G replaced by A.
Protein change: p.Glu292Lys; replaces glutamic acid 292 with lysine.
Molecular consequence: missense variant.
Genome position (GRCh38, 1-based): chr1:62,636,548, C>T on the plus strand (G>A on the coding strand, the complement: DOCK7 is on the minus strand). VCF-style: chr1-62636548-C-T. GRCh37 (hg19) VCF-style: chr1-63102219-C-T.
Other names: c.874G>A, p.Glu292Lys (NM_001271999.2, NM_001272000.2, NM_001272001.2 and 3 more transcripts); c.874G>A (NM_033407.2); short protein forms E292K.
Identifiers: ClinVar variation 956207 (VCV000956207.8), dbSNP rs748005635, ClinGen allele CA887090.

ClinVar aggregate classification (germline): Uncertain significance. Review status: criteria provided, multiple submitters, no conflicts (2 of 4 stars). 2 submissions from 2 submitters: Uncertain significance (2). Last evaluated 2025-03-14.

Conditions:
Developmental and epileptic encephalopathy, 23 (DEE23). Also called: Epileptic encephalopathy, early infantile, 23. Identifiers: Orphanet 411986, MedGen C4014492, MONDO:0014371, OMIM 615859.
Inborn genetic diseases. Identifiers: MedGen C0950123, MeSH D030342.

Allele frequency attached by ClinVar (database versions not stated): gnomAD 0.00001; TOPMed 0.00001; gnomAD exomes 0.00002 and 0.00004; ExAC 0.00006.
gnomAD v4.1: 22 of 1,597,966 alleles (0.0014%); highest among the groups gnomAD compares: East Asian, 0.049%; no homozygotes.

Submissions (2):

Ambry Genetics
Classification: Uncertain significance for Inborn genetic diseases. Last evaluated: 2025-03-14. Review status: criteria provided, single submitter. Criteria: Ambry Variant Classification Scheme 2023. Collection method: clinical testing. Allele origin: germline.

Labcorp Genetics (formerly Invitae), Labcorp
Classification: Uncertain significance for Developmental and epileptic encephalopathy, 23. Last evaluated: 2021-08-28. Review status: criteria provided, single submitter. Criteria: Invitae Variant Classification Sherloc (09022015). Collection method: clinical testing. Allele origin: germline.
Comment: This sequence change replaces glutamic acid with lysine at codon 292 of the DOCK7 protein (p.Glu292Lys). The glutamic acid residue is highly conserved and there is a small physicochemical difference between glutamic acid and lysine. This variant is present in population databases (rs748005635, ExAC 0.08%). This variant has not been reported in the literature in individuals affected with DOCK7-related conditions. Algorithms developed to predict the effect of missense changes on protein structure and function are either unavailable or do not agree on the potential impact of this missense change (SIFT: "Tolerated"; PolyPhen-2: "Possibly Damaging"; Align-GVGD: "Class C0"). In summary, the available evidence is currently insufficient to determine the role of this variant in disease. Therefore, it has been classified as a Variant of Uncertain Significance.